The following is an entry in ClinVar:

NC_000020.10:g.(?_21142512)_(21186222_?)del

Gene: KIZ (kizuna centrosomal protein; plus strand). Cytogenetic location: 20p11.23.
Variant type: Deletion.
Identifiers: ClinVar variation 1036559 (VCV001036559.1).

ClinVar aggregate classification (germline): Uncertain significance (1 of 4 stars; one submission).

Submission:

Labcorp Genetics (formerly Invitae), Labcorp
Classification: Uncertain significance. Last evaluated: 2020-07-13. Review status: criteria provided, single submitter. Criteria: Invitae Variant Classification Sherloc (09022015). Collection method: clinical testing. Allele origin: germline.
Comment: This variant is an in-frame deletion of the genomic region encompassing exon(s) 5-7 of the KIZ gene. It preserves the integrity of the reading frame. This variant has not been reported in the literature in individuals with KIZ-related conditions. Experimental studies and prediction algorithms are not available or were not evaluated, and the functional significance of this variant is currently unknown. In summary, the available evidence is currently insufficient to determine the role of this variant in disease. Therefore, it has been classified as a Variant of Uncertain Significance.